The following is an entry in ClinVar:

ClinVar aggregate classification (germline): Uncertain significance. Review status: criteria provided, multiple submitters, no conflicts (2 of 4 stars). 2 submissions from 2 submitters: Uncertain significance (2). Last evaluated 2025-12-04.

Conditions:
Idiopathic generalized epilepsy. Also called: EIG; Generalised epilepsy. Identifiers: MedGen C0270850, MONDO:0005579, OMIM 600669.
Inborn genetic diseases. Identifiers: MedGen C0950123, MeSH D030342.

Allele frequency attached by ClinVar (database versions not stated): TOPMed below 0.00001.
gnomAD v4.1: 8 of 1,612,752 alleles (0.0005%); highest among the groups gnomAD compares: Middle Eastern, 0.017%; no homozygotes.

Submissions (2):

Ambry Genetics
Classification: Uncertain significance for Inborn genetic diseases. Last evaluated: 2025-12-04. Review status: criteria provided, single submitter. Criteria: Ambry Variant Classification Scheme 2023. Collection method: clinical testing. Allele origin: germline.

Labcorp Genetics (formerly Invitae), Labcorp
Classification: Uncertain significance for Idiopathic generalized epilepsy. Last evaluated: 2025-03-06. Review status: criteria provided, single submitter. Criteria: Invitae Variant Classification Sherloc (09022015). Collection method: clinical testing. Allele origin: germline.
Comment: This sequence change replaces aspartic acid, which is acidic and polar, with asparagine, which is neutral and polar, at codon 30 of the GABRD protein (p.Asp30Asn). This variant is not present in population databases (gnomAD no frequency). This variant has not been reported in the literature in individuals affected with GABRD-related conditions. ClinVar contains an entry for this variant (Variation ID: 1461629). An algorithm developed to predict the effect of missense changes on protein structure and function (PolyPhen-2) suggests that this variant is likely to be disruptive. In summary, the available evidence is currently insufficient to determine the role of this variant in disease. Therefore, it has been classified as a Variant of Uncertain Significance.

NM_000815.5(GABRD):c.88G>A (p.Asp30Asn)

Gene: GABRD (gamma-aminobutyric acid type A receptor subunit delta; plus strand). Cytogenetic location: 1p36.33.
Variant type: single nucleotide variant.
Coding change: c.88G>A on transcript NM_000815.5 (MANE Select); coding-DNA position 88, G replaced by A.
Protein change: p.Asp30Asn; replaces aspartic acid 30 with asparagine.
Molecular consequence: missense variant.
Genome position (GRCh38, 1-based): chr1:2,024,961, G>A. VCF-style: chr1-2024961-G-A. GRCh37 (hg19) VCF-style: chr1-1956400-G-A.
Other names: c.88G>A (NM_000815.4); short protein forms D30N.
Identifiers: ClinVar variation 1461629 (VCV001461629.9), dbSNP rs74786356, ClinGen allele CA16884747.